The following is an entry in ClinVar:

NM_001319074.4(RAX2):c.*1169G>A

Gene: RAX2 (retina and anterior neural fold homeobox 2; minus strand). Cytogenetic location: 19p13.3.
Variant type: single nucleotide variant.
Coding change: c.*1169G>A on transcript NM_001319074.4 (MANE Select); 1169 bases downstream of the stop codon, G replaced by A.
Molecular consequence: 3 prime UTR variant.
Genome position (GRCh38, 1-based): chr19:3,769,452, C>T on the plus strand (G>A on the coding strand, the complement: RAX2 is on the minus strand). VCF-style: chr19-3769452-C-T. GRCh37 (hg19) VCF-style: chr19-3769450-C-T.
Other names: c.*1169G>A (NM_032753.4).
Identifiers: ClinVar variation 891193 (VCV000891193.5), dbSNP rs554924169, ClinGen allele CA304415962.

ClinVar aggregate classification (germline): Benign/Likely benign. Review status: criteria provided, multiple submitters, no conflicts (2 of 4 stars). 3 submissions from 2 submitters: Benign (1); Likely benign (2). Last evaluated 2018-01-12.

Conditions:
Cone-rod dystrophy 11 (CORD11). Identifiers: Orphanet 1872, MedGen C1835865, MONDO:0012483, OMIM 610381.
Age related macular degeneration 6. Identifiers: MedGen C3151060, MONDO:0013406, OMIM 613757.

Allele frequency attached by ClinVar (database versions not stated): gnomAD 0.00031 and 0.00043; TOPMed 0.00043; 1000 Genomes Project 30x 0.00062; 1000 Genomes Project 0.00080.

Submissions (3):

Illumina Laboratory Services, Illumina
Classification: Likely benign for Age related macular degeneration 6. Last evaluated: 2018-01-12. Review status: criteria provided, single submitter. Criteria: ICSL Variant Classification Criteria 13 December 2019. Collection method: clinical testing. Allele origin: germline.
Comment: This variant was observed in the ICSL laboratory as part of a predisposition screen in an ostensibly healthy population. It had not been previously curated by ICSL or reported in the Human Gene Mutation Database (HGMD: prior to June 1st, 2018), and was therefore a candidate for classification through an automated scoring system. Utilizing variant allele frequency, disease prevalence and penetrance estimates, and inheritance mode, an automated score was calculated to assess if this variant is too frequent to cause the disease. Based on the score and internal cut-off values, a variant classified as likely benign is not then subjected to further curation. The score for this variant resulted in a classification of likely benign for this disease.

Illumina Laboratory Services, Illumina
Classification: Benign for Cone-rod dystrophy 11. Last evaluated: 2018-01-12. Review status: criteria provided, single submitter. Criteria: ICSL Variant Classification Criteria 13 December 2019. Collection method: clinical testing. Allele origin: germline.
Comment: This variant was observed in the ICSL laboratory as part of a predisposition screen in an ostensibly healthy population. It had not been previously curated by ICSL or reported in the Human Gene Mutation Database (HGMD: prior to June 1st, 2018), and was therefore a candidate for classification through an automated scoring system. Utilizing variant allele frequency, disease prevalence and penetrance estimates, and inheritance mode, an automated score was calculated to assess if this variant is too frequent to cause the disease. Based on the score and internal cut-off values, a variant classified as benign is not then subjected to further curation. The score for this variant resulted in a classification of benign for this disease.

Breakthrough Genomics
Classification: Likely benign. Review status: criteria provided, single submitter. Criteria: ACMG Guidelines, 2015. Collection method: not provided. Allele origin: germline. Inheritance: Autosomal recessive inheritance. Affected: yes.